The following is an entry in ClinVar:

ClinVar aggregate classification (germline): Uncertain significance. Review status: criteria provided, multiple submitters, no conflicts (2 of 4 stars). 2 submissions from 2 submitters: Uncertain significance (2). Last evaluated 2025-08-26.

Conditions:
Hereditary cancer-predisposing syndrome. Also called: Hereditary Cancer Syndrome; Neoplastic Syndromes, Hereditary; Tumor predisposition; Hereditary neoplastic syndrome. Identifiers: Orphanet 140162, MedGen C0027672, MeSH D009386, MONDO:0015356.
Familial cancer of breast. Also called: BREAST CANCER, FAMILIAL; hereditary breast carcinoma; Hereditary breast cancer. Identifiers: Orphanet 227535, MedGen C0346153, MONDO:0016419, OMIM 114480. Disease mechanism: loss of function.

Submissions (2):

Ambry Genetics
Classification: Uncertain significance for Hereditary cancer-predisposing syndrome. Last evaluated: 2025-08-26. Review status: criteria provided, single submitter. Criteria: Ambry Variant Classification Scheme 2023. Collection method: clinical testing. Allele origin: germline.
Comment: The p.M1? variant (also known as c.2T>C) is located in coding exon 1 of the CHEK2 gene and results from a T to C substitution at nucleotide position 2. This alters the methionine residue at the initiation codon (ATG). Variations that modify the initiation codon (ATG) are expected to result in either loss of translation initiation, N-terminal truncation, or cause a shift in the mRNA reading frame; however, there is an in-frame methionine 45 amino acids from the initiation site, which may result in N-terminal truncation of unknown functional significance. Based on the available evidence, the clinical significance of this variant remains unclear.

Labcorp Genetics (formerly Invitae), Labcorp
Classification: Uncertain significance for Familial cancer of breast. Last evaluated: 2024-07-24. Review status: criteria provided, single submitter. Criteria: Invitae Variant Classification Sherloc (09022015). Collection method: clinical testing. Allele origin: germline.
Comment: This sequence change affects the initiator methionine of the CHEK2 mRNA. The next in-frame methionine is located at codon 46. This variant is not present in population databases (gnomAD no frequency). This variant has not been reported in the literature in individuals affected with CHEK2-related conditions. Experimental studies and prediction algorithms are not available or were not evaluated, and the functional significance of this variant is currently unknown. In summary, the available evidence is currently insufficient to determine the role of this variant in disease. Therefore, it has been classified as a Variant of Uncertain Significance.

NM_007194.4(CHEK2):c.2T>C (p.Met1Thr)

Gene: CHEK2 (checkpoint kinase 2; minus strand). Cytogenetic location: 22q12.1.
Variant type: single nucleotide variant.
Coding change: c.2T>C on transcript NM_007194.4 (MANE Select); coding-DNA position 2, T replaced by C.
Protein change: p.Met1Thr; changes the start codon (methionine 1).
Molecular consequence: missense variant, initiator codon variant.
Genome position (GRCh38, 1-based): chr22:28,734,720, A>G on the plus strand (T>C on the coding strand, the complement: CHEK2 is on the minus strand). VCF-style: chr22-28734720-A-G. GRCh37 (hg19) VCF-style: chr22-29130708-A-G.
Other names: c.2T>C (NM_007194.3); c.2T>C, p.Met1Thr (NM_001005735.3, NM_001349956.3, NM_145862.3); c.-776T>C (NM_001257387.3); short protein forms M1T.
Identifiers: ClinVar variation 3607231 (VCV003607231.3).